The following is an entry in ClinVar:

ClinVar aggregate classification (germline): Benign/Likely benign. Review status: criteria provided, multiple submitters, no conflicts (2 of 4 stars). 7 submissions from 6 submitters: Benign (4); Likely benign (3). Last evaluated 2026-02-03.

Conditions:
Rothmund-Thomson syndrome type 2 (RTS2). Identifiers: Orphanet 221016, MedGen C5203410, MONDO:0016369, OMIM 268400.
Baller-Gerold syndrome (BGS). Also called: CRANIOSYNOSTOSIS WITH RADIAL DEFECTS. Identifiers: Orphanet 1225, MedGen C0265308, MONDO:0009039, OMIM 218600.
Rapadilino syndrome. Identifiers: Orphanet 3021, MedGen C1849453, MONDO:0009955, OMIM 266280.

Allele frequency attached by ClinVar (database versions not stated): gnomAD exomes 0.00207; ExAC 0.00348; gnomAD 0.00870 and 0.00929; ESP Exome Variant Server 0.00874; TOPMed 0.00992; 1000 Genomes Project 0.01118; 1000 Genomes Project 30x 0.01265.
gnomAD v4.1: 2,640 of 1,609,134 alleles (0.16%); highest among the groups gnomAD compares: African/African-American, 3.3%; 42 homozygotes.

Submissions (8):

Labcorp Genetics (formerly Invitae), Labcorp
Classification: Benign for Baller-Gerold syndrome. Last evaluated: 2026-02-03. Review status: criteria provided, single submitter. Criteria: Invitae Variant Classification Sherloc (09022015). Collection method: clinical testing. Allele origin: germline.

KCCC/NGS Laboratory, Kuwait Cancer Control Center
Classification: Benign for Rapadilino syndrome. Last evaluated: 2025-02-01. Review status: criteria provided, single submitter. Criteria: ACMG Guidelines, 2015. Collection method: clinical testing. Allele origin: germline. Affected: no.

KCCC/NGS Laboratory, Kuwait Cancer Control Center
Classification: Benign for Rothmund-Thomson syndrome type 2. Last evaluated: 2023-07-07. Review status: criteria provided, single submitter. Criteria: ACMG Guidelines, 2015. Collection method: clinical testing. Allele origin: germline. Affected: yes.

GeneDx
Classification: Likely benign. Last evaluated: 2019-04-03. Review status: criteria provided, single submitter. Criteria: GeneDx Variant Classification Process June 2021. Collection method: clinical testing. Allele origin: germline. Affected: yes.

Center for Pediatric Genomic Medicine, Children's Mercy Hospital and Clinics
Classification: Likely benign. Last evaluated: 2017-01-23. Review status: criteria provided, single submitter. Criteria: ACMG Guidelines, 2015. Collection method: clinical testing. Allele origin: germline.
ClinVar note: Converted during submission from Likely Benign to Likely benign.

Eurofins Ntd Llc (ga)
Classification: Benign. Last evaluated: 2013-01-11. Review status: criteria provided, single submitter. Criteria: EGL Classification Definitions 2015. Collection method: clinical testing. Allele origin: germline. Observed: 3 variant alleles, 3 heterozygotes.

Breakthrough Genomics
Classification: Likely benign. Review status: criteria provided, single submitter. Criteria: ACMG Guidelines, 2015. Collection method: not provided. Allele origin: germline. Inheritance: Autosomal recessive inheritance. Affected: yes.

Dr. Peter K. Rogan Lab, Western University
No classification provided (evidence only). Condition: Thymoma. Review status: no classification provided. Collection method: in vitro. Allele origin: not applicable. Functional consequence: retained intron. Not counted in ClinVar's aggregate classification.

NM_004260.4(RECQL4):c.1879-15C>A

Gene: RECQL4 (RecQ like helicase 4; minus strand). Cytogenetic location: 8q24.3.
Variant type: single nucleotide variant.
Coding change: c.1879-15C>A on transcript NM_004260.4 (MANE Select); 15 bases into the intron before coding-DNA position 1879, C replaced by A.
Molecular consequence: intron variant.
Genome position (GRCh38, 1-based): chr8:144,514,122, G>T on the plus strand (C>A on the coding strand, the complement: RECQL4 is on the minus strand). VCF-style: chr8-144514122-G-T. GRCh37 (hg19) VCF-style: chr8-145739506-G-T.
Identifiers: ClinVar variation 94887 (VCV000094887.20), dbSNP rs35126141, ClinGen allele CA147884.